The following is an entry in ClinVar:

NM_001042492.3(NF1):c.3774G>A (p.Trp1258Ter)

Gene: NF1 (neurofibromin 1; plus strand). Cytogenetic location: 17q11.2.
Variant type: single nucleotide variant.
Coding change: c.3774G>A on transcript NM_001042492.3 (MANE Select); coding-DNA position 3774, G replaced by A.
Protein change: p.Trp1258Ter; replaces tryptophan 1258 with a stop codon.
Molecular consequence: nonsense.
Genome position (GRCh38, 1-based): chr17:31,235,676, G>A. VCF-style: chr17-31235676-G-A. GRCh37 (hg19) VCF-style: chr17-29562694-G-A.
Other names: c.3774G>A, p.Trp1258Ter (NM_000267.4); short protein forms W1258*.
Identifiers: ClinVar variation 3258039 (VCV003258039.5).

ClinVar aggregate classification (germline): Pathogenic. Review status: criteria provided, multiple submitters, no conflicts (2 of 4 stars). 2 submissions from 2 submitters: Pathogenic (2). Last evaluated 2026-01-10.
ClinVar aggregate classification (oncogenicity): Likely oncogenic (1 of 4 stars; one submission).

Conditions:
Neurofibromatosis, type 1 (NF1). Also called: VON RECKLINGHAUSEN DISEASE; Neurofibromatosis, type I; NEUROFIBROMATOSIS, TYPE I, SOMATIC; Peripheral type neurofibromatosis. Identifiers: Orphanet 636, MedGen C0027831, MONDO:0018975, OMIM 162200. Disease mechanism: loss of function.
Neoplasm. Also called: tumor; Neoplasms; Neoplasm (disease). Identifiers: MedGen C0027651, MeSH D009369, MONDO:0005070, HP:0002664.

Submissions (3):

Labcorp Genetics (formerly Invitae), Labcorp
Classification: Pathogenic for Neurofibromatosis, type 1. Last evaluated: 2026-01-10. Review status: criteria provided, single submitter. Criteria: Invitae Variant Classification Sherloc (09022015). Collection method: clinical testing. Allele origin: germline.
Comment: This sequence change creates a premature translational stop signal (p.Trp1258*) in the NF1 gene. It is expected to result in an absent or disrupted protein product. Loss-of-function variants in NF1 are known to be pathogenic (PMID: 10712197, 23913538). This variant is not present in population databases (gnomAD no frequency). This variant has not been reported in the literature in individuals affected with NF1-related conditions. ClinVar contains an entry for this variant (Variation ID: 3258039). For these reasons, this variant has been classified as Pathogenic.

NHS Central & South Genomic Laboratory Hub
Classification: Pathogenic for Neurofibromatosis type 1. Last evaluated: 2025-04-09. Review status: criteria provided, single submitter. Criteria: ACMG Guidelines, 2015. Collection method: clinical testing. Allele origin: germline. Affected: yes.

Center for Genomic Medicine, Rigshospitalet, Copenhagen University Hospital
Classification: Likely oncogenic for Neoplasm. Last evaluated: 2025-03-04. Review status: criteria provided, single submitter. Criteria: ClinGen/CGC/VICC Guidelines for Oncogenicity, 2022. Collection method: clinical testing. Allele origin: somatic. Affected: yes.

Literature cited by the submitters: PubMed 10712197 (cited by Labcorp Genetics (formerly Invitae), Labcorp); PubMed 23913538 (cited by Labcorp Genetics (formerly Invitae), Labcorp); PubMed 34046057 (cited by Center for Genomic Medicine, Rigshospitalet, Copenhagen University Hospital).